The following is an entry in ClinVar:

NM_032444.4(SLX4):c.111C>A (p.Ser37Arg)

Gene: SLX4 (SLX4 structure-specific endonuclease subunit; minus strand). Cytogenetic location: 16p13.3.
Variant type: single nucleotide variant.
Coding change: c.111C>A on transcript NM_032444.4 (MANE Select); coding-DNA position 111, C replaced by A.
Protein change: p.Ser37Arg; replaces serine 37 with arginine.
Molecular consequence: missense variant.
Genome position (GRCh38, 1-based): chr16:3,608,854, G>T on the plus strand (C>A on the coding strand, the complement: SLX4 is on the minus strand). VCF-style: chr16-3608854-G-T. GRCh37 (hg19) VCF-style: chr16-3658855-G-T.
Other names: short protein forms S37R.
Identifiers: ClinVar variation 842493 (VCV000842493.12), dbSNP rs188729744, ClinGen allele CA7866949.

ClinVar aggregate classification (germline): Uncertain significance. Review status: criteria provided, multiple submitters, no conflicts (2 of 4 stars). 3 submissions from 3 submitters: Uncertain significance (3). Last evaluated 2024-11-11.

Conditions:
Inborn genetic diseases. Identifiers: MedGen C0950123, MeSH D030342.
Fanconi anemia complementation group P. Also called: SLX4-Related Fanconi Anemia. Identifiers: Orphanet 84, MedGen C3469542, MONDO:0013499, OMIM 613951.
Fanconi anemia (FA). Also called: Fanconi's anemia. Identifiers: Orphanet 84, MedGen C0015625, MeSH D005199, MONDO:0019391.

Allele frequency attached by ClinVar (database versions not stated): gnomAD 0.00001; TOPMed 0.00001; ExAC 0.00002; gnomAD exomes 0.00002; 1000 Genomes Project 30x 0.00016; 1000 Genomes Project 0.00020.

Submissions (3):

Labcorp Genetics (formerly Invitae), Labcorp
Classification: Uncertain significance for Fanconi anemia. Last evaluated: 2024-11-11. Review status: criteria provided, single submitter. Criteria: Invitae Variant Classification Sherloc (09022015). Collection method: clinical testing. Allele origin: germline.
Comment: This sequence change replaces serine, which is neutral and polar, with arginine, which is basic and polar, at codon 37 of the SLX4 protein (p.Ser37Arg). This variant is present in population databases (rs188729744, gnomAD 0.004%). This variant has not been reported in the literature in individuals affected with SLX4-related conditions. ClinVar contains an entry for this variant (Variation ID: 842493). An algorithm developed to predict the effect of missense changes on protein structure and function outputs the following: PolyPhen-2: "Benign". The arginine amino acid residue is found in multiple mammalian species, which suggests that this missense change does not adversely affect protein function. In summary, the available evidence is currently insufficient to determine the role of this variant in disease. Therefore, it has been classified as a Variant of Uncertain Significance.

Ambry Genetics
Classification: Uncertain significance for Inborn genetic diseases. Last evaluated: 2024-02-26. Review status: criteria provided, single submitter. Criteria: Ambry Variant Classification Scheme 2023. Collection method: clinical testing. Allele origin: germline.

Fulgent Genetics
Classification: Uncertain significance for Fanconi anemia complementation group P. Last evaluated: 2022-05-03. Review status: criteria provided, single submitter. Criteria: ACMG Guidelines, 2015. Collection method: clinical testing. Allele origin: unknown.